The following is an entry in ClinVar:

ClinVar aggregate classification (germline): Uncertain significance (1 of 4 stars; one submission).

Allele frequency attached by ClinVar (database versions not stated): ExAC 0.00001; gnomAD exomes 0.00001; TOPMed 0.00004; gnomAD 0.00005.
gnomAD v4.1: 23 of 1,613,598 alleles (0.0014%); highest among the groups gnomAD compares: African/African-American, 0.008%; no homozygotes.

Submission:

Labcorp Genetics (formerly Invitae), Labcorp
Classification: Uncertain significance. Last evaluated: 2022-02-06. Review status: criteria provided, single submitter. Criteria: Invitae Variant Classification Sherloc (09022015). Collection method: clinical testing. Allele origin: germline.
Comment: Algorithms developed to predict the effect of missense changes on protein structure and function are either unavailable or do not agree on the potential impact of this missense change (SIFT: "Deleterious"; PolyPhen-2: "Probably Damaging"; Align-GVGD: "Class C0"). Algorithms developed to predict the effect of sequence changes on RNA splicing suggest that this variant may create or strengthen a splice site. In summary, the available evidence is currently insufficient to determine the role of this variant in disease. Therefore, it has been classified as a Variant of Uncertain Significance. This variant has not been reported in the literature in individuals affected with DSCAML1-related conditions. This sequence change replaces glycine, which is neutral and non-polar, with serine, which is neutral and polar, at codon 240 of the DSCAML1 protein (p.Gly240Ser). This variant is present in population databases (rs770439142, gnomAD 0.008%).

NM_020693.4(DSCAML1):c.538G>A (p.Gly180Ser)

Gene: DSCAML1 (DS cell adhesion molecule like 1; minus strand). Cytogenetic location: 11q23.3.
Variant type: single nucleotide variant.
Coding change: c.538G>A on transcript NM_020693.4 (MANE Select); coding-DNA position 538, G replaced by A.
Protein change: p.Gly180Ser; replaces glycine 180 with serine.
Molecular consequence: missense variant.
Genome position (GRCh38, 1-based): chr11:117,532,496, C>T on the plus strand (G>A on the coding strand, the complement: DSCAML1 is on the minus strand). VCF-style: chr11-117532496-C-T. GRCh37 (hg19) VCF-style: chr11-117403211-C-T.
Other names: c.538G>A, p.Gly180Ser (NM_001367904.1); c.130G>A, p.Gly44Ser (NM_001367905.1); short protein forms G180S, G44S.
Identifiers: ClinVar variation 1986592 (VCV001986592.4), dbSNP rs770439142, ClinGen allele CA6297522.